The following is an entry in ClinVar:

NM_004385.5(VCAN):c.2278C>A (p.Pro760Thr)

Gene: VCAN (versican; plus strand). Cytogenetic location: 5q14.3.
Variant type: single nucleotide variant.
Coding change: c.2278C>A on transcript NM_004385.5 (MANE Select); coding-DNA position 2278, C replaced by A.
Protein change: p.Pro760Thr; replaces proline 760 with threonine.
Molecular consequence: missense variant. On other transcripts: intron variant (2).
Genome position (GRCh38, 1-based): chr5:83,520,584, C>A. VCF-style: chr5-83520584-C-A. GRCh37 (hg19) VCF-style: chr5-82816403-C-A.
Other names: c.2278C>A (NM_004385.4); c.2278C>A, p.Pro760Thr (NM_001164098.2); c.1042+8188C>A (NM_001164097.2, NM_001126336.3); short protein forms P760T.
Identifiers: ClinVar variation 1497512 (VCV001497512.8), dbSNP rs146499191, ClinGen allele CA3332822.

ClinVar aggregate classification (germline): Uncertain significance. Review status: criteria provided, multiple submitters, no conflicts (2 of 4 stars). 3 submissions from 3 submitters: Uncertain significance (3). Last evaluated 2026-09-11.

Conditions:
VCAN-related disorder. Also called: VCAN-related condition.
Inborn genetic diseases. Identifiers: MedGen C0950123, MeSH D030342.

Allele frequency attached by ClinVar (database versions not stated): gnomAD exomes 0.00001; ExAC 0.00002; gnomAD 0.00004; TOPMed 0.00005; ESP Exome Variant Server 0.00008.
gnomAD v4.1: 89 of 1,613,870 alleles (0.0055%); highest among the groups gnomAD compares: Non-Finnish European, 0.0071%; no homozygotes.

Submissions (3):

PreventionGenetics, part of Exact Sciences
Classification: Uncertain significance for VCAN-related condition. Last evaluated: 2026-09-11. Review status: criteria provided, single submitter. Criteria: ACMG Guidelines, 2015. Collection method: clinical testing. Allele origin: germline.
Comment: The VCAN c.2278C>A variant is predicted to result in the amino acid substitution p.Pro760Thr. To our knowledge, this variant has not been reported in the literature. This variant is reported in 0.0026% of alleles in individuals of European (Non-Finnish) descent in gnomAD. At this time, the clinical significance of this variant is uncertain due to the absence of conclusive functional and genetic evidence.

Labcorp Genetics (formerly Invitae), Labcorp
Classification: Uncertain significance. Last evaluated: 2025-09-22. Review status: criteria provided, single submitter. Criteria: Invitae Variant Classification Sherloc (09022015). Collection method: clinical testing. Allele origin: germline.
Comment: This sequence change replaces proline, which is neutral and non-polar, with threonine, which is neutral and polar, at codon 760 of the VCAN protein (p.Pro760Thr). This variant is present in population databases (rs146499191, gnomAD 0.003%). This variant has not been reported in the literature in individuals affected with VCAN-related conditions. ClinVar contains an entry for this variant (Variation ID: 1497512). An algorithm developed to predict the effect of missense changes on protein structure and function outputs the following: PolyPhen-2: "Benign". The threonine amino acid residue is found in multiple mammalian species, which suggests that this missense change does not adversely affect protein function. In summary, the available evidence is currently insufficient to determine the role of this variant in disease. Therefore, it has been classified as a Variant of Uncertain Significance.

Ambry Genetics
Classification: Uncertain significance for Inborn genetic diseases. Last evaluated: 2024-08-05. Review status: criteria provided, single submitter. Criteria: Ambry Variant Classification Scheme 2023. Collection method: clinical testing. Allele origin: germline.